The following is an entry in ClinVar:

ClinVar aggregate classification (germline): Likely pathogenic (1 of 4 stars; one submission).

Conditions:
Primary ciliary dyskinesia. Also called: Ciliary dyskinesia. Identifiers: Orphanet 244, MedGen C0008780, MONDO:0016575, HP:0012265.

Allele frequency attached by ClinVar (database versions not stated): gnomAD exomes below 0.00001.
gnomAD v4.1: 2 of 1,611,654 alleles (0.00012%); highest among the groups gnomAD compares: Non-Finnish European, 0.00017%; no homozygotes.

Submission:

Labcorp Genetics (formerly Invitae), Labcorp
Classification: Likely pathogenic for Primary ciliary dyskinesia. Last evaluated: 2022-09-05. Review status: criteria provided, single submitter. Criteria: Invitae Variant Classification Sherloc (09022015). Collection method: clinical testing. Allele origin: germline.
Comment: This sequence change affects a donor splice site in intron 70 of the DNAH5 gene. It is expected to disrupt RNA splicing. Variants that disrupt the donor or acceptor splice site typically lead to a loss of protein function (PMID: 16199547), and loss-of-function variants in DNAH5 are known to be pathogenic (PMID: 11788826, 16627867). This variant is not present in population databases (gnomAD no frequency). This variant has not been reported in the literature in individuals affected with DNAH5-related conditions. ClinVar contains an entry for this variant (Variation ID: 1520327). Algorithms developed to predict the effect of sequence changes on RNA splicing suggest that this variant may disrupt the consensus splice site. In summary, the currently available evidence indicates that the variant is pathogenic, but additional data are needed to prove that conclusively. Therefore, this variant has been classified as Likely Pathogenic.

Literature cited by the submitters: PubMed 16199547; PubMed 11788826; PubMed 16627867.

NM_001369.3(DNAH5):c.12033+1G>A

Gene: DNAH5 (dynein axonemal heavy chain 5; minus strand). Cytogenetic location: 5p15.2.
Variant type: single nucleotide variant.
Coding change: c.12033+1G>A on transcript NM_001369.3 (MANE Select); the canonical splice donor site of the intron after coding-DNA position 12033, G replaced by A.
Molecular consequence: splice donor variant.
Genome position (GRCh38, 1-based): chr5:13,727,506, C>T on the plus strand (G>A on the coding strand, the complement: DNAH5 is on the minus strand). VCF-style: chr5-13727506-C-T. GRCh37 (hg19) VCF-style: chr5-13727615-C-T.
Identifiers: ClinVar variation 1520327 (VCV001520327.6), dbSNP rs2126563913, ClinGen allele CA359217563.